The following is an entry in ClinVar:

ClinVar aggregate classification (germline): Uncertain significance (1 of 4 stars; one submission).

Conditions:
Congenital disorder of glycosylation (CDG). Also called: Congenital disorders of glycosylation; Carbohydrate-deficient glycoprotein syndrome. Identifiers: Orphanet 137, MedGen C0282577, MONDO:0015286.

Allele frequency attached by ClinVar (database versions not stated): ExAC 0.00007; ESP Exome Variant Server 0.00008; gnomAD 0.00009 and 0.00011.

Submission:

Labcorp Genetics (formerly Invitae), Labcorp
Classification: Uncertain significance for Congenital disorder of glycosylation. Last evaluated: 2025-01-27. Review status: criteria provided, single submitter. Criteria: Invitae Variant Classification Sherloc (09022015). Collection method: clinical testing. Allele origin: germline.
Comment: This sequence change replaces arginine, which is basic and polar, with tryptophan, which is neutral and slightly polar, at codon 619 of the RPN2 protein (p.Arg619Trp). This variant is present in population databases (rs143714251, gnomAD 0.08%), and has an allele count higher than expected for a pathogenic variant. This variant has not been reported in the literature in individuals affected with RPN2-related conditions. ClinVar contains an entry for this variant (Variation ID: 1444837). An algorithm developed to predict the effect of missense changes on protein structure and function (PolyPhen-2) suggests that this variant is likely to be disruptive. In summary, the available evidence is currently insufficient to determine the role of this variant in disease. Therefore, it has been classified as a Variant of Uncertain Significance.

NM_002951.5(RPN2):c.1855C>T (p.Arg619Trp)

Gene: RPN2 (ribophorin II; plus strand). Cytogenetic location: 20q11.23.
Variant type: single nucleotide variant.
Coding change: c.1855C>T on transcript NM_002951.5 (MANE Select); coding-DNA position 1855, C replaced by T.
Protein change: p.Arg619Trp; replaces arginine 619 with tryptophan.
Molecular consequence: missense variant.
Genome position (GRCh38, 1-based): chr20:37,236,681, C>T. VCF-style: chr20-37236681-C-T. GRCh37 (hg19) VCF-style: chr20-35865084-C-T.
Other names: c.1759C>T, p.Arg587Trp (NM_001135771.3, NM_001324299.2, NM_001324302.2); c.1903C>T, p.Arg635Trp (NM_001324301.2, NM_001324305.2); c.1855C>T, p.Arg619Trp (NM_001324303.2, NM_001324304.2); c.1384C>T, p.Arg462Trp (NM_001324306.2); short protein forms R635W, R462W, R587W, R619W.
Identifiers: ClinVar variation 1444837 (VCV001444837.8), dbSNP rs143714251, ClinGen allele CA9847328.